The following is an entry in ClinVar:

ClinVar aggregate classification (germline): Conflicting classifications of pathogenicity. Review status: criteria provided, conflicting classifications (1 of 4 stars). 3 submissions from 3 submitters: Pathogenic (1); Likely pathogenic (1); Uncertain significance (1). Last evaluated 2025-10-10.

Conditions:
Neurofibromatosis, type 1 (NF1). Also called: Peripheral type neurofibromatosis; VON RECKLINGHAUSEN DISEASE; NEUROFIBROMATOSIS, TYPE I, SOMATIC; Neurofibromatosis, type I. Identifiers: Orphanet 636, MedGen C0027831, MONDO:0018975, OMIM 162200. Disease mechanism: loss of function.
Cardiovascular phenotype. Identifiers: MedGen CN230736.
Hereditary cancer-predisposing syndrome. Also called: Tumor predisposition; Hereditary Cancer Syndrome; Hereditary neoplastic syndrome; Neoplastic Syndromes, Hereditary. Identifiers: Orphanet 140162, MedGen C0027672, MeSH D009386, MONDO:0015356.

Submissions (3):

Ambry Genetics
Classification: Likely pathogenic for Cardiovascular phenotype; Hereditary cancer-predisposing syndrome. Last evaluated: 2025-10-10. Review status: criteria provided, single submitter. Criteria: Ambry Variant Classification Scheme 2023. Collection method: clinical testing. Allele origin: germline.
Comment: The p.L303R variant (also known as c.908T>G), located in coding exon 9 of the NF1 gene, results from a T to G substitution at nucleotide position 908. The leucine at codon 303 is replaced by arginine, an amino acid with dissimilar properties. This variant was reported in individual(s) with features consistent with neurofibromatosis type 1 (Bausch B et al. J Clin Endocrinol Metab, 2006 Sep;91:3478-81; Cassiman C et al. Clin Genet, 2017 Apr;91:529-535). This amino acid position is highly conserved in available vertebrate species. In addition, this alteration is predicted to be deleterious by in silico analysis. This variant is considered to be rare based on population cohorts in the Genome Aggregation Database (gnomAD). Based on the majority of available evidence to date, this variant is likely to be pathogenic.

GeneDx
Classification: Uncertain significance. Last evaluated: 2024-10-29. Review status: criteria provided, single submitter. Criteria: GeneDx Variant Classification Process June 2021. Collection method: clinical testing. Allele origin: germline. Affected: yes.
Comment: Not observed at significant frequency in large population cohorts (gnomAD); In silico analysis supports that this missense variant has a deleterious effect on protein structure/function; This variant is associated with the following publications: (PMID: 27716896, 16787982, 17426081)

Labcorp Genetics (formerly Invitae), Labcorp
Classification: Pathogenic for Neurofibromatosis, type 1. Last evaluated: 2022-08-22. Review status: criteria provided, single submitter. Criteria: Invitae Variant Classification Sherloc (09022015). Collection method: clinical testing. Allele origin: germline.
Comment: This sequence change replaces leucine, which is neutral and non-polar, with arginine, which is basic and polar, at codon 303 of the NF1 protein (p.Leu303Arg). For these reasons, this variant has been classified as Pathogenic. Advanced modeling of protein sequence and biophysical properties (such as structural, functional, and spatial information, amino acid conservation, physicochemical variation, residue mobility, and thermodynamic stability) performed at Invitae indicates that this missense variant is expected to disrupt NF1 protein function. This missense change has been observed in individual(s) with neurofibromatosis type 1 (PMID: 16787982, 27716896). This variant is not present in population databases (gnomAD no frequency).

Literature cited by the submitters: PubMed 16787982 (cited by Ambry Genetics and Labcorp Genetics (formerly Invitae), Labcorp); PubMed 27716896 (cited by Ambry Genetics and Labcorp Genetics (formerly Invitae), Labcorp).

NM_001042492.3(NF1):c.908T>G (p.Leu303Arg)

Gene: NF1 (neurofibromin 1; plus strand). Cytogenetic location: 17q11.2.
Variant type: single nucleotide variant.
Coding change: c.908T>G on transcript NM_001042492.3 (MANE Select); coding-DNA position 908, T replaced by G.
Protein change: p.Leu303Arg; replaces leucine 303 with arginine.
Molecular consequence: missense variant.
Genome position (GRCh38, 1-based): chr17:31,200,441, T>G. VCF-style: chr17-31200441-T-G. GRCh37 (hg19) VCF-style: chr17-29527459-T-G.
Other names: c.908T>G, p.Leu303Arg (NM_000267.4, NM_001128147.3); short protein forms L303R.
Identifiers: ClinVar variation 2137954 (VCV002137954.6), dbSNP rs2143872212, ClinGen allele CA398995566.